The following is an entry in ClinVar:

NM_017780.4(CHD7):c.207T>G (p.Phe69Leu)

Gene: CHD7 (chromodomain helicase DNA binding protein 7; plus strand). Cytogenetic location: 8q12.2.
Variant type: single nucleotide variant.
Coding change: c.207T>G on transcript NM_017780.4 (MANE Select); coding-DNA position 207, T replaced by G.
Protein change: p.Phe69Leu; replaces phenylalanine 69 with leucine.
Molecular consequence: missense variant.
Genome position (GRCh38, 1-based): chr8:60,741,639, T>G. VCF-style: chr8-60741639-T-G. GRCh37 (hg19) VCF-style: chr8-61654198-T-G.
Other names: c.207T>G, p.Phe69Leu (NM_001316690.1); short protein forms F69L.
Identifiers: ClinVar variation 957249 (VCV000957249.9), dbSNP rs1809021019, ClinGen allele CA371296398.
Genomic context (GRCh38, chr8:60,741,639, plus strand): 5'-TTTACAGCCATCCCTTCATCATCCTTCAACTAATCAAAATCAAACAAAGCTGACACATTT[T>G]GATCACTATAATCAGTATGAACAACAAAAGATGCATCTGATGGATCAGCCGAACAGAATG-3'
Protein context (NP_060250.2, residues 59-79): TNQNQTKLTH[Phe69Leu]DHYNQYEQQK

ClinVar aggregate classification (germline): Uncertain significance (1 of 4 stars; one submission).

Conditions:
CHARGE syndrome (CHARGE). Also called: Hittner Hirsch Kreh syndrome; Coloboma, heart anomaly, choanal atresia, retardation, genital and ear anomalies; CHARGE association; Hall-Hittner syndrome; CHARGE ASSOCIATION--COLOBOMA, HEART ANOMALY, CHOANAL ATRESIA, RETARDATION, GENITAL AND EAR ANOMALIES. Identifiers: Orphanet 138, MedGen C0265354, MONDO:0008965.

Submission:

Labcorp Genetics (formerly Invitae), Labcorp
Classification: Uncertain significance for CHARGE syndrome. Last evaluated: 2019-11-03. Review status: criteria provided, single submitter. Criteria: Invitae Variant Classification Sherloc (09022015). Collection method: clinical testing. Allele origin: germline.
Comment: This sequence change replaces phenylalanine with leucine at codon 69 of the CHD7 protein (p.Phe69Leu). The phenylalanine residue is highly conserved and there is a small physicochemical difference between phenylalanine and leucine. In summary, the available evidence is currently insufficient to determine the role of this variant in disease. Therefore, it has been classified as a Variant of Uncertain Significance. Algorithms developed to predict the effect of missense changes on protein structure and function (SIFT, PolyPhen-2, Align-GVGD) all suggest that this variant is likely to be tolerated, but these predictions have not been confirmed by published functional studies and their clinical significance is uncertain. This variant has not been reported in the literature in individuals with CHD7-related conditions. This variant is not present in population databases (ExAC no frequency).